The following is an entry in ClinVar:

NM_001277115.2(DNAH11):c.11173del (p.Ile3725fs)

Gene: DNAH11 (dynein axonemal heavy chain 11; plus strand). Cytogenetic location: 7p15.3.
Variant type: Deletion.
Coding change: c.11173del on transcript NM_001277115.2 (MANE Select); coding-DNA position 11173, one base deleted (A; older notation c.11173delA).
Protein change: p.Ile3725fs; shifts the reading frame from isoleucine 3725.
Molecular consequence: frameshift variant.
Genome position (GRCh38, 1-based): chr7:21,854,426, A deleted; the last of 6 consecutive A bases (chr7:21,854,421-21,854,426); deleting any one gives the same sequence. VCF-style (leftmost placement, unchanged base first): chr7-21854420-CA-C. GRCh37 (hg19) VCF-style: chr7-21894038-CA-C.
Other names: short protein forms I3725fs.
Identifiers: ClinVar variation 3693351 (VCV003693351.2).
Genomic context (GRCh38, chr7:21,854,420, plus strand): 5'-GAATGTTACAGACCAGTGGCAGCAAGAGCATCTCTTCTTTATTTTGTTATTAATGACCTC[CA>C]AAAAATCAACCCCCTCTACCAATTCTCTTTGAAGGTAATGCTGAATGAGCTAAGAAATAT-3'

ClinVar aggregate classification (germline): Pathogenic (1 of 4 stars; one submission).

Conditions:
Primary ciliary dyskinesia. Also called: Ciliary dyskinesia. Identifiers: Orphanet 244, MedGen C0008780, MONDO:0016575, HP:0012265.

Submission:

Labcorp Genetics (formerly Invitae), Labcorp
Classification: Pathogenic for Primary ciliary dyskinesia. Last evaluated: 2024-12-04. Review status: criteria provided, single submitter. Criteria: Invitae Variant Classification Sherloc (09022015). Collection method: clinical testing. Allele origin: germline.
Comment: This sequence change creates a premature translational stop signal (p.Ile3725Serfs*9) in the DNAH11 gene. It is expected to result in an absent or disrupted protein product. Loss-of-function variants in DNAH11 are known to be pathogenic (PMID: 18022865, 20513915, 22184204). This variant is not present in population databases (gnomAD no frequency). This variant has not been reported in the literature in individuals affected with DNAH11-related conditions. For these reasons, this variant has been classified as Pathogenic.

Literature cited by the submitters: PubMed 18022865; PubMed 20513915; PubMed 22184204.